The following is an entry in ClinVar:

ClinVar aggregate classification (germline): Uncertain significance (1 of 4 stars; one submission).

Conditions:
Autosomal recessive limb-girdle muscular dystrophy type 2J (LGMDR10). Also called: Limb-girdle muscular dystrophy, type 2J; MUSCULAR DYSTROPHY, LIMB-GIRDLE, AUTOSOMAL RECESSIVE 10. Identifiers: Orphanet 140922, MedGen C1837342, MONDO:0012127, OMIM 608807.
Dilated cardiomyopathy 1G (CMD1G). Identifiers: Orphanet 154, MedGen C1858763, MONDO:0011400, OMIM 604145.

Submission:

Labcorp Genetics (formerly Invitae), Labcorp
Classification: Uncertain significance for Dilated cardiomyopathy 1G; Autosomal recessive limb-girdle muscular dystrophy type 2J. Last evaluated: 2025-11-24. Review status: criteria provided, single submitter. Criteria: Invitae Variant Classification Sherloc (09022015). Collection method: clinical testing. Allele origin: germline.
Comment: This sequence change replaces tyrosine, which is neutral and polar, with cysteine, which is neutral and slightly polar, at codon 34578 of the TTN protein (p.Tyr34578Cys). This variant is not present in population databases (gnomAD no frequency). This variant has not been reported in the literature in individuals affected with TTN-related conditions. Experimental studies and prediction algorithms are not available or were not evaluated, and the functional significance of this variant is currently unknown. This variant is located in the M band of TTN (PMID: 25589632). Non-truncating variants in this region may be relevant for neuromuscular disorders, but have not been definitively shown to cause cardiomyopathy (PMID: 23975875). In summary, the available evidence is currently insufficient to determine the role of this variant in disease. Therefore, it has been classified as a Variant of Uncertain Significance.

Literature cited by the submitters: PubMed 25589632; PubMed 23975875.

NM_001267550.2(TTN):c.103733A>G (p.Tyr34578Cys)

Genes: TTN-AS1 (TTN antisense RNA 1; plus strand), TTN (titin; minus strand). Cytogenetic location: 2q31.2.
Variant type: single nucleotide variant.
Coding change: c.103733A>G on transcript NM_001267550.2 (MANE Select); coding-DNA position 103733, A replaced by G.
Protein change: p.Tyr34578Cys; replaces tyrosine 34578 with cysteine.
Molecular consequence: missense variant.
Genome position (GRCh38, 1-based): chr2:178,532,882, T>C on the plus strand (A>G on the coding strand, the complement: TTN is on the minus strand). VCF-style: chr2-178532882-T-C. GRCh37 (hg19) VCF-style: chr2-179397609-T-C.
Other names: c.98810A>G, p.Tyr32937Cys (NM_001256850.1); c.76538A>G, p.Tyr25513Cys (NM_003319.4); c.77114A>G, p.Tyr25705Cys (NM_133437.4); c.96029A>G, p.Tyr32010Cys (NM_133378.4); c.76913A>G, p.Tyr25638Cys (NM_133432.3); short protein forms Y25705C, Y25638C, Y25513C, Y32937C, Y34578C, Y32010C.
Identifiers: ClinVar variation 4786793 (VCV004786793.1).